The following is an entry in ClinVar:

ClinVar aggregate classification (germline): Uncertain significance (1 of 4 stars; one submission).

Allele frequency attached by ClinVar (database versions not stated): gnomAD exomes below 0.00001.

Submission:

Quest Diagnostics Nichols Institute San Juan Capistrano
Classification: Uncertain significance. Last evaluated: 2023-01-03. Review status: criteria provided, single submitter. Criteria: Quest Diagnostics criteria. Collection method: clinical testing. Allele origin: unknown.
Comment: This variant has not been reported in the published literature. It also has not been reported in large, multi-ethnic general populations. Analysis of this variant using bioinformatics tools for the prediction of the effect of amino acid changes on protein structure and function yielded conflicting predictions that this variant is benign or damaging. Based on the available information, we are unable to determine the clinical significance of this variant.

NM_000135.4(FANCA):c.3256C>T (p.Pro1086Ser)

Gene: FANCA (FA complementation group A; minus strand). Cytogenetic location: 16q24.3.
Variant type: single nucleotide variant.
Coding change: c.3256C>T on transcript NM_000135.4 (MANE Select); coding-DNA position 3256, C replaced by T.
Protein change: p.Pro1086Ser; replaces proline 1086 with serine.
Molecular consequence: missense variant.
Genome position (GRCh38, 1-based): chr16:89,748,751, G>A on the plus strand (C>T on the coding strand, the complement: FANCA is on the minus strand). VCF-style: chr16-89748751-G-A. GRCh37 (hg19) VCF-style: chr16-89815159-G-A.
Other names: c.3256C>T, p.Pro1086Ser (NM_001286167.3); short protein forms P1086S.
Identifiers: ClinVar variation 2681903 (VCV002681903.1), dbSNP rs754870549, ClinGen allele CA286625362.